The following is an entry in ClinVar:

NM_000051.4(ATM):c.284A>T (p.Gln95Leu)

Gene: ATM (ATM serine/threonine kinase; plus strand). Cytogenetic location: 11q22.3.
Variant type: single nucleotide variant.
Coding change: c.284A>T on transcript NM_000051.4 (MANE Select); coding-DNA position 284, A replaced by T.
Protein change: p.Gln95Leu; replaces glutamine 95 with leucine.
Molecular consequence: missense variant.
Genome position (GRCh38, 1-based): chr11:108,229,276, A>T. VCF-style: chr11-108229276-A-T. GRCh37 (hg19) VCF-style: chr11-108100003-A-T.
Other names: c.284A>T, p.Gln95Leu (NM_001351835.2, NM_001351836.2, NM_001351834.2); short protein forms Q95L.
Identifiers: ClinVar variation 2720306 (VCV002720306.3), dbSNP rs2135036415, ClinGen allele CA382521701.

ClinVar aggregate classification (germline): Uncertain significance (1 of 4 stars; one submission).

Conditions:
Ataxia-telangiectasia syndrome (AT). Also called: AT, COMPLEMENTATION GROUP C; Ataxia telangiectasia (A-T); Ataxia-telangiectasia, complementation group D; Ataxia-telangiectasia, complementation group E; LOUIS-BAR SYNDROME; ATAXIA-TELANGIECTASIA, COMPLEMENTATION GROUP A. Identifiers: Orphanet 100, MedGen C0004135, MONDO:0008840, OMIM 208900.

Submission:

Labcorp Genetics (formerly Invitae), Labcorp
Classification: Uncertain significance for Ataxia-telangiectasia syndrome. Last evaluated: 2023-06-21. Review status: criteria provided, single submitter. Criteria: Invitae Variant Classification Sherloc (09022015). Collection method: clinical testing. Allele origin: germline.
Comment: Advanced modeling of protein sequence and biophysical properties (such as structural, functional, and spatial information, amino acid conservation, physicochemical variation, residue mobility, and thermodynamic stability) performed at Invitae indicates that this missense variant is not expected to disrupt ATM protein function. In summary, the available evidence is currently insufficient to determine the role of this variant in disease. Therefore, it has been classified as a Variant of Uncertain Significance. This variant has not been reported in the literature in individuals affected with ATM-related conditions. This sequence change replaces glutamine, which is neutral and polar, with leucine, which is neutral and non-polar, at codon 95 of the ATM protein (p.Gln95Leu). This variant is not present in population databases (gnomAD no frequency).